The following is an entry in ClinVar:

ClinVar aggregate classification (germline): Uncertain significance. Review status: criteria provided, multiple submitters, no conflicts (2 of 4 stars). 4 submissions from 4 submitters: Uncertain significance (4). Last evaluated 2025-04-24.

Conditions:
Left ventricular noncompaction 1 (LVNC1). Also called: LEFT VENTRICULAR NONCOMPACTION 1 WITH OR WITHOUT CONGENITAL HEART DEFECTS. Identifiers: Orphanet 54260, MedGen C1858725, MONDO:0011403, OMIM 604169.

Allele frequency attached by ClinVar (database versions not stated): gnomAD 0.00002; TOPMed 0.00003; gnomAD exomes 0.00004 and 0.00005; ExAC 0.00005.
gnomAD v4.1: 57 of 1,613,606 alleles (0.0035%); highest among the groups gnomAD compares: East Asian, 0.011%; no homozygotes.

Submissions (4):

Labcorp Genetics (formerly Invitae), Labcorp
Classification: Uncertain significance for Left ventricular noncompaction 1. Last evaluated: 2025-04-24. Review status: criteria provided, single submitter. Criteria: Invitae Variant Classification Sherloc (09022015). Collection method: clinical testing. Allele origin: germline.
Comment: This sequence change replaces threonine, which is neutral and polar, with methionine, which is neutral and non-polar, at codon 290 of the DTNA protein (p.Thr290Met). This variant is present in population databases (rs747834756, gnomAD 0.06%). This variant has not been reported in the literature in individuals affected with DTNA-related conditions. ClinVar contains an entry for this variant (Variation ID: 426774). Invitae Evidence Modeling of protein sequence and biophysical properties (such as structural, functional, and spatial information, amino acid conservation, physicochemical variation, residue mobility, and thermodynamic stability) indicates that this missense variant is not expected to disrupt DTNA protein function with a negative predictive value of 80%. In summary, the available evidence is currently insufficient to determine the role of this variant in disease. Therefore, it has been classified as a Variant of Uncertain Significance.

Ambry Genetics
Classification: Uncertain significance. Last evaluated: 2024-01-16. Review status: criteria provided, single submitter. Criteria: Ambry Variant Classification Scheme 2023. Collection method: clinical testing. Allele origin: germline.

Revvity Omics, Revvity
Classification: Uncertain significance for Left ventricular noncompaction 1. Last evaluated: 2020-12-28. Review status: criteria provided, single submitter. Criteria: ACMG Guidelines, 2015. Collection method: clinical testing. Allele origin: germline.

GeneDx
Classification: Uncertain significance. Last evaluated: 2017-04-05. Review status: criteria provided, single submitter. Criteria: GeneDx Variant Classification (06012015). Collection method: clinical testing. Allele origin: germline. Affected: yes.
Comment: A variant of uncertain significance has been identified in the DTNA gene. Although the T290M variant has not been published as pathogenic or been reported as benign to our knowledge, it has been observed in 5/8264 (0.06%) alleles from individuals of East Asian ancestry in large population cohorts (Lek et al., 2016; 1000 Genomes Consortium et al., 2015; Exome Variant Server). The T290M variant is a non-conservative amino acid substitution, which is likely to impact secondary protein structure as these residues differ in polarity, charge, size and/or other properties. Additionally, this substitution occurs at a position where amino acids with similar properties to threonine (T) are tolerated across species, although methionine (M) is tolerated at this position in one non-mammalian species. Nevertheless, in silico analysis predicts this variant is probably damaging to the protein structure/function.

NM_001386795.1(DTNA):c.869C>T (p.Thr290Met)

Gene: DTNA (dystrobrevin alpha; plus strand). Cytogenetic location: 18q12.1.
Variant type: single nucleotide variant.
Coding change: c.869C>T on transcript NM_001386795.1 (MANE Select); coding-DNA position 869, C replaced by T.
Protein change: p.Thr290Met; replaces threonine 290 with methionine.
Molecular consequence: missense variant. On other transcripts: 5 prime UTR variant (2), intron variant (1).
Genome position (GRCh38, 1-based): chr18:34,818,323, C>T. VCF-style: chr18-34818323-C-T. GRCh37 (hg19) VCF-style: chr18-32398287-C-T.
Other names: c.869C>T, p.Thr290Met (NM_001128175.2, NM_001198938.2, NM_001198939.2 and 34 more transcripts); c.-403C>T (NM_001198942.1, NM_001198944.1); c.119C>T, p.Thr40Met (NM_001198943.1); c.603+6210C>T (NM_001198945.2); short protein forms T290M, T40M.
Identifiers: ClinVar variation 426774 (VCV000426774.13), dbSNP rs747834756, ClinGen allele CA8935472.
Genomic context (GRCh38, chr18:34,818,323, plus strand): 5'-GCTTCTGGAGGGGACATGCCGGTGGTTCTCATAGCAACCAGCACCAAATGAAAGAGTACA[C>T]GTCATGGGTAAGGCAAGGTCCAGGCAATACTTGGAGTTGGATGTGTGAGTGTTGCCCAGA-3'
Protein context (NP_001373724.1, residues 280-300): HSNQHQMKEY[Thr290Met]SWKSPAKKLT